The following is an entry in ClinVar:

ClinVar aggregate classification (germline): Pathogenic. Review status: reviewed by expert panel (3 of 4 stars). 8 submissions from 8 submitters: Pathogenic (1). 7 of the submissions do not count toward it. Last evaluated 2016-09-08.

Conditions:
Hereditary cancer-predisposing syndrome. Also called: Neoplastic Syndromes, Hereditary; Tumor predisposition; Hereditary neoplastic syndrome; Hereditary Cancer Syndrome. Identifiers: Orphanet 140162, MedGen C0027672, MeSH D009386, MONDO:0015356.
Hereditary breast ovarian cancer syndrome. Also called: Hereditary breast and ovarian cancer syndrome; Hereditary breast and ovarian cancer; Hereditary breast and ovarian cancer syndrome (HBOC); Breast and ovarian cancer; Hereditary breast and/or ovarian cancer syndrome; BRCA1- and BRCA2-Associated Hereditary Breast and Ovarian Cancer. Identifiers: Orphanet 145, MedGen C0677776, MeSH D061325, MONDO:0003582. Disease mechanism: loss of function.
Familial cancer of breast. Also called: BREAST CANCER, FAMILIAL; Hereditary breast cancer; hereditary breast carcinoma. Identifiers: Orphanet 227535, MedGen C0346153, MONDO:0016419, OMIM 114480. Disease mechanism: loss of function.
Breast-ovarian cancer, familial, susceptibility to, 2 (BROVCA2). Also called: BRCA2 Hereditary Breast and Ovarian Cancer. Identifiers: Orphanet 145, MedGen C2675520, MONDO:0012933, OMIM 612555. Disease mechanism: loss of function.

Submissions (8):

Evidence-based Network for the Interpretation of Germline Mutant Alleles (ENIGMA)
Classification: Pathogenic for Breast-ovarian cancer, familial, susceptibility to, 2. Last evaluated: 2016-09-08. Review status: reviewed by expert panel. Criteria: ENIGMA BRCA1/2 Classification Criteria (2015). Collection method: curation. Allele origin: germline.
Comment: Variant allele predicted to encode a truncated non-functional protein.

Labcorp Genetics (formerly Invitae), Labcorp
Classification: Pathogenic for Hereditary breast ovarian cancer syndrome. Last evaluated: 2025-05-07. Review status: criteria provided, single submitter. Criteria: Invitae Variant Classification Sherloc (09022015). Collection method: clinical testing. Allele origin: germline. Not counted in ClinVar's aggregate classification.
Comment: This sequence change creates a premature translational stop signal (p.Ser1955*) in the BRCA2 gene. It is expected to result in an absent or disrupted protein product. Loss-of-function variants in BRCA2 are known to be pathogenic (PMID: 20104584). This variant is not present in population databases (gnomAD no frequency). This premature translational stop signal has been observed in individual(s) with breast, prostate and/or ovarian cancer (PMID: 11802209, 21614564, 24504028, 27433846). This variant is also known as 6092C>G. ClinVar contains an entry for this variant (Variation ID: 51955). For these reasons, this variant has been classified as Pathogenic.

Genetic Services Laboratory, University of Chicago
Classification: Pathogenic. Last evaluated: 2024-10-07. Review status: criteria provided, single submitter. Criteria: ACMG Guidelines, 2015. Collection method: clinical testing. Allele origin: germline. Affected: yes. Not counted in ClinVar's aggregate classification.
Comment: DNA sequence analysis of the BRCA2 gene demonstrated a sequence change, c.5864C>G, which results in the creation of a premature stop codon at amino acid position 1955, p.Ser1955*. This pathogenic sequence change is predicted to result in an abnormal transcript, which may be degraded, or may lead to the production of a truncated BRCA2 protein with potentially abnormal function. This sequence change has also not been described in the population databases such as ExAC and gnomAD. This pathogenic sequence change has previously been described in individuals with breast cancer (PMID: 21614564, 28724667, 31825140). These collective evidences indicate that this sequence change is pathogenic, however functional studies have not been performed to prove this conclusively.

Ambry Genetics
Classification: Pathogenic for Hereditary cancer-predisposing syndrome. Last evaluated: 2024-01-26. Review status: criteria provided, single submitter. Criteria: Ambry Variant Classification Scheme 2023. Collection method: clinical testing. Allele origin: germline. Not counted in ClinVar's aggregate classification.
Comment: The p.S1955* pathogenic mutation (also known as c.5864C>G), located in coding exon 10 of the BRCA2 gene, results from a C to G substitution at nucleotide position 5864. This changes the amino acid from a serine to a stop codon within coding exon 10. This alteration has been associated with personal and family history of breast and ovarian cancer in multiple studies (Zhang J et al. Breast Cancer Res. Treat., 2012 Apr;132:421-8; Sun J et al. Clin. Cancer Res., 2017 Oct;23:6113-6119). This alteration was identified in 2/692 men with metastatic prostate cancer who were unselected for family history of cancer or age at diagnosis. (Pritchard CC et al. N. Engl. J. Med., 2016 Aug;375:443-53). Of note, this alteration is also designated as 6092C>G in the published literature. In addition to the clinical data presented in the literature, this alteration is expected to result in loss of function by premature protein truncation or nonsense-mediated mRNA decay. As such, this alteration is interpreted as a disease-causing mutation.

GeneDx
Classification: Pathogenic. Last evaluated: 2023-08-28. Review status: criteria provided, single submitter. Criteria: GeneDx Variant Classification Process June 2021. Collection method: clinical testing. Allele origin: germline. Affected: yes. Not counted in ClinVar's aggregate classification.
Comment: Nonsense variant predicted to result in protein truncation or nonsense mediated decay in a gene for which loss of function is a known mechanism of disease; Observed in individuals with a personal and/or family history of breast and/or ovarian cancer (Meindl et al., 2002; Kim et al., 2016; Zhang et al., 2016; Cunningham et al., 2014); Truncating variants in this gene are considered pathogenic by a well-established clinical consortium and/or database; Not observed at significant frequency in large population cohorts (gnomAD); Also known as 6092C>G; This variant is associated with the following publications: (PMID: 26848529, 21614564, 25525159, 28152038, 11802209, 19340607, 27393621, 24504028, 30702160, 31825140, 27433846, 28724667, 35495142)

Baylor Genetics
Classification: Pathogenic for Familial cancer of breast. Last evaluated: 2022-03-21. Review status: criteria provided, single submitter. Criteria: ACMG Guidelines, 2015. Collection method: clinical testing. Allele origin: unknown. Not counted in ClinVar's aggregate classification.

Clinical Genetics DNA and cytogenetics Diagnostics Lab, Erasmus MC, Erasmus Medical Center
Classification: Pathogenic. Review status: no assertion criteria provided. Collection method: clinical testing. Allele origin: germline. Affected: yes. Study: VKGL Data-share Consensus. Not counted in ClinVar's aggregate classification.

Joint Genome Diagnostic Labs from Nijmegen and Maastricht, Radboudumc and MUMC+
Classification: Pathogenic. Review status: no assertion criteria provided. Collection method: clinical testing. Allele origin: germline. Affected: yes. Study: VKGL Data-share Consensus. Not counted in ClinVar's aggregate classification.

Literature cited by the submitters: PubMed 20104584 (cited by Labcorp Genetics (formerly Invitae), Labcorp); PubMed 11802209 (cited by Labcorp Genetics (formerly Invitae), Labcorp); PubMed 21614564 (cited by Labcorp Genetics (formerly Invitae), Labcorp and Ambry Genetics); PubMed 24504028 (cited by Labcorp Genetics (formerly Invitae), Labcorp); PubMed 27433846 (cited by Labcorp Genetics (formerly Invitae), Labcorp and Ambry Genetics); PubMed 28724667 (cited by Ambry Genetics).

NM_000059.4(BRCA2):c.5864C>G (p.Ser1955Ter)

Gene: BRCA2 (BRCA2 DNA repair associated; plus strand). Cytogenetic location: 13q13.1.
Variant type: single nucleotide variant.
Coding change: c.5864C>G on transcript NM_000059.4 (MANE Select); coding-DNA position 5864, C replaced by G.
Protein change: p.Ser1955Ter; replaces serine 1955 with a stop codon.
Molecular consequence: nonsense.
Genome position (GRCh38, 1-based): chr13:32,340,219, C>G. VCF-style: chr13-32340219-C-G. GRCh37 (hg19) VCF-style: chr13-32914356-C-G.
Other names: short protein forms S1955*.
Identifiers: ClinVar variation 51955 (VCV000051955.24), dbSNP rs80358815, ClinGen allele CA023319.
Genomic context (GRCh38, chr13:32,340,219, plus strand): 5'-ATATGTCTGGATTGGAGAAAGTTTCTAAAATATCACCTTGTGATGTTAGTTTGGAAACTT[C>G]AGATATATGTAAATGTAGTATAGGGAAGCTTCATAAGTCAGTCTCATCTGCAAATACTTG-3'